The following is an entry in ClinVar:

NM_001009999.3(KDM1A):c.498T>G (p.Ser166Arg)

Gene: KDM1A (lysine demethylase 1A; plus strand). Cytogenetic location: 1p36.12.
Variant type: single nucleotide variant.
Coding change: c.498T>G on transcript NM_001009999.3 (MANE Select); coding-DNA position 498, T replaced by G.
Protein change: p.Ser166Arg; replaces serine 166 with arginine.
Molecular consequence: missense variant.
Genome position (GRCh38, 1-based): chr1:23,030,615, T>G. VCF-style: chr1-23030615-T-G. GRCh37 (hg19) VCF-style: chr1-23357108-T-G.
Other names: c.498T>G, p.Ser166Arg (NM_001363654.2, NM_001410762.1, NM_001410763.1 and 1 more transcripts); short protein forms S166R.
Identifiers: ClinVar variation 2858961 (VCV002858961.3), dbSNP rs2522544759, ClinGen allele CA338957434.

ClinVar aggregate classification (germline): Uncertain significance (1 of 4 stars; one submission).

Submission:

Labcorp Genetics (formerly Invitae), Labcorp
Classification: Uncertain significance. Last evaluated: 2024-08-13. Review status: criteria provided, single submitter. Criteria: Invitae Variant Classification Sherloc (09022015). Collection method: clinical testing. Allele origin: germline.
Comment: This sequence change replaces serine, which is neutral and polar, with arginine, which is basic and polar, at codon 166 of the KDM1A protein (p.Ser166Arg). This variant is not present in population databases (gnomAD no frequency). This variant has not been reported in the literature in individuals affected with KDM1A-related conditions. Advanced modeling of protein sequence and biophysical properties (such as structural, functional, and spatial information, amino acid conservation, physicochemical variation, residue mobility, and thermodynamic stability) performed at Invitae indicates that this missense variant is not expected to disrupt KDM1A protein function with a negative predictive value of 80%. In summary, the available evidence is currently insufficient to determine the role of this variant in disease. Therefore, it has been classified as a Variant of Uncertain Significance.